The following is an entry in ClinVar:

ClinVar aggregate classification (germline): Pathogenic. Review status: criteria provided, multiple submitters, no conflicts (2 of 4 stars). 3 submissions from 3 submitters: Pathogenic (3). Last evaluated 2026-09-28.

Conditions:
Osteogenesis imperfecta type I (OI1). Also called: Osteogenesis imperfecta type 1; Classic Non-deforming Osteogenesis Imperfecta with Blue Sclerae; Lobstein disease; OI, TYPE I; OSTEOGENESIS IMPERFECTA TARDA; OSTEOGENESIS IMPERFECTA WITH BLUE SCLERAE. Identifiers: Orphanet 216796, Orphanet 666, MedGen C0023931, MONDO:0008146, OMIM 166200. Disease mechanism: loss of function.

Submissions (3):

MVZ Martinsried, Medicover Genetics
Classification: Pathogenic for Osteogenesis imperfecta type I. Last evaluated: 2026-09-28. Review status: criteria provided, single submitter. Criteria: ClinGen Variant Curation SOP V3.2 + Classification Guidance July2025. Collection method: clinical testing. Allele origin: unknown. Observed: 1 heterozygote.

Labcorp Genetics (formerly Invitae), Labcorp
Classification: Pathogenic for Osteogenesis imperfecta type I. Last evaluated: 2025-12-11. Review status: criteria provided, single submitter. Criteria: Invitae Variant Classification Sherloc (09022015). Collection method: clinical testing. Allele origin: germline.
Comment: This sequence change creates a premature translational stop signal (p.Gly130Alafs*135) in the COL1A1 gene. It is expected to result in an absent or disrupted protein product. Loss-of-function variants in COL1A1 are known to be pathogenic (PMID: 7942841, 9295084, 9443882). This variant is not present in population databases (gnomAD no frequency). This premature translational stop signal has been observed in individual(s) with clinical features of osteogenesis imperfecta (PMID: 31363794). This variant is also known as p.Pro129Profs*30. ClinVar contains an entry for this variant (Variation ID: 456780). For these reasons, this variant has been classified as Pathogenic.

3billion
Classification: Pathogenic for Osteogenesis imperfecta type I. Review status: criteria provided, single submitter. Criteria: ACMG Guidelines, 2015. Collection method: clinical testing. Allele origin: unknown. Affected: yes. Observed: 1 heterozygote.
Comment: The variant is not observed in the gnomAD v2.1.1 dataset. This frameshift variant is predicted to result in a loss or disruption of normal protein function through nonsense-mediated decay (NMD) or protein truncation. Multiple pathogenic variants are reported downstream of the variant. The variant has been reported to be associated with COL1A1-related disorder (ClinVar ID: VCV000456780/PMID: 31363794). Therefore, this variant is classified as pathogenic according to the recommendation of ACMG/AMP guideline.

Literature cited by the submitters: PubMed 7942841 (cited by Labcorp Genetics (formerly Invitae), Labcorp); PubMed 9295084 (cited by Labcorp Genetics (formerly Invitae), Labcorp); PubMed 9443882 (cited by Labcorp Genetics (formerly Invitae), Labcorp); PubMed 31363794 (cited by Labcorp Genetics (formerly Invitae), Labcorp and 3billion).

NM_000088.4(COL1A1):c.387del (p.Gly130fs)

Gene: COL1A1 (collagen type I alpha 1 chain; minus strand). Cytogenetic location: 17q21.33.
Variant type: Deletion.
Coding change: c.387del on transcript NM_000088.4 (MANE Select); coding-DNA position 387, one base deleted (T; older notation c.387delT).
Protein change: p.Gly130fs; shifts the reading frame from glycine 130.
Molecular consequence: frameshift variant.
Genome position (GRCh38, 1-based): chr17:50,199,310, A deleted on the plus strand (T on the coding strand, the reverse complement: COL1A1 is on the minus strand). VCF-style (leftmost placement, unchanged base first): chr17-50199309-CA-C. GRCh37 (hg19) VCF-style: chr17-48276670-CA-C.
Other names: c.387delT (NM_000088.3); short protein forms G130fs.
Identifiers: ClinVar variation 456780 (VCV000456780.11), dbSNP rs1555575086, ClinGen allele CA658656726.